The following is an entry in ClinVar:

NM_015874.6(RBPJ):c.1445C>T (p.Thr482Ile)

Gene: RBPJ (recombination signal binding protein for immunoglobulin kappa J region; plus strand). Cytogenetic location: 4p15.2.
Variant type: single nucleotide variant.
Coding change: c.1445C>T on transcript NM_015874.6 (MANE Select); coding-DNA position 1445, C replaced by T.
Protein change: p.Thr482Ile; replaces threonine 482 with isoleucine.
Molecular consequence: missense variant.
Genome position (GRCh38, 1-based): chr4:26,430,988, C>T. VCF-style: chr4-26430988-C-T. GRCh37 (hg19) VCF-style: chr4-26432610-C-T.
Other names: c.1379C>T, p.Thr460Ile (NM_001363577.2, NM_203283.5); c.1484C>T, p.Thr495Ile (NM_001374400.1, NM_005349.4); c.1442C>T, p.Thr481Ile (NM_001374401.1, NM_001374402.1, NM_001374403.1 and 3 more transcripts); c.1328C>T, p.Thr443Ile (NM_001379408.1); c.1283C>T, p.Thr428Ile (NM_001379409.1); short protein forms T428I, T460I, T481I, T443I, T482I, T495I.
Identifiers: ClinVar variation 3787740 (VCV003787740.2).

ClinVar aggregate classification (germline): Uncertain significance. Review status: criteria provided, multiple submitters, no conflicts (2 of 4 stars). 2 submissions from 2 submitters: Uncertain significance (2). Last evaluated 2025-07-16.

Conditions:
Inborn genetic diseases. Identifiers: MedGen C0950123, MeSH D030342.

gnomAD v4.1: 13 of 1,613,712 alleles (0.00081%); highest among the groups gnomAD compares: Non-Finnish European, 0.0011%; no homozygotes.

Submissions (2):

Labcorp Genetics (formerly Invitae), Labcorp
Classification: Uncertain significance. Last evaluated: 2025-07-16. Review status: criteria provided, single submitter. Criteria: Invitae Variant Classification Sherloc (09022015). Collection method: clinical testing. Allele origin: germline.
Comment: This sequence change replaces threonine, which is neutral and polar, with isoleucine, which is neutral and non-polar, at codon 495 of the RBPJ protein (p.Thr495Ile). This variant is not present in population databases (gnomAD no frequency). This variant has not been reported in the literature in individuals affected with RBPJ-related conditions. ClinVar contains an entry for this variant (Variation ID: 3787740). Experimental studies and prediction algorithms are not available or were not evaluated, and the functional significance of this variant is currently unknown. In summary, the available evidence is currently insufficient to determine the role of this variant in disease. Therefore, it has been classified as a Variant of Uncertain Significance.

Ambry Genetics
Classification: Uncertain significance for Inborn genetic diseases. Last evaluated: 2025-01-16. Review status: criteria provided, single submitter. Criteria: Ambry Variant Classification Scheme 2023. Collection method: clinical testing. Allele origin: germline.